The following is an entry in ClinVar:

NM_000458.4(HNF1B):c.1054T>C (p.Tyr352His)

Gene: HNF1B (HNF1 homeobox B; minus strand). Cytogenetic location: 17q12.
Variant type: single nucleotide variant.
Coding change: c.1054T>C on transcript NM_000458.4 (MANE Select); coding-DNA position 1054, T replaced by C.
Protein change: p.Tyr352His; replaces tyrosine 352 with histidine.
Molecular consequence: missense variant.
Genome position (GRCh38, 1-based): chr17:37,710,655, A>G on the plus strand (T>C on the coding strand, the complement: HNF1B is on the minus strand). VCF-style: chr17-37710655-A-G. GRCh37 (hg19) VCF-style: chr17-36070663-A-G.
Other names: c.976T>C, p.Tyr326His (NM_001165923.4, NM_001304286.2); short protein forms Y326H, Y352H.
Identifiers: ClinVar variation 1700809 (VCV001700809.2), dbSNP rs373118494, ClinGen allele CA290300568.

ClinVar aggregate classification (germline): Uncertain significance (1 of 4 stars; one submission).

Allele frequency attached by ClinVar (database versions not stated): gnomAD exomes below 0.00001; gnomAD 0.00003 and 0.00004; TOPMed 0.00004; ESP Exome Variant Server 0.00008.
gnomAD v4.1: 9 of 1,613,696 alleles (0.00056%); highest among the groups gnomAD compares: African/African-American, 0.012%; no homozygotes.

Submission:

GeneDx
Classification: Uncertain significance. Last evaluated: 2022-02-11. Review status: criteria provided, single submitter. Criteria: GeneDx Variant Classification Process June 2021. Collection method: clinical testing. Allele origin: germline. Affected: yes.
Comment: In silico analysis supports that this missense variant does not alter protein structure/function; Has not been previously published as pathogenic or benign to our knowledge